The following is an entry in ClinVar:

NM_001792.5(CDH2):c.68T>C (p.Val23Ala)

Gene: CDH2 (cadherin 2; minus strand). Cytogenetic location: 18q12.1.
Variant type: single nucleotide variant.
Coding change: c.68T>C on transcript NM_001792.5 (MANE Select); coding-DNA position 68, T replaced by C.
Protein change: p.Val23Ala; replaces valine 23 with alanine.
Molecular consequence: missense variant.
Genome position (GRCh38, 1-based): chr18:28,147,777, A>G on the plus strand (T>C on the coding strand, the complement: CDH2 is on the minus strand). VCF-style: chr18-28147777-A-G. GRCh37 (hg19) VCF-style: chr18-25727741-A-G.
Other names: c.68T>C (NM_001792.3); short protein forms V23A.
Identifiers: ClinVar variation 1942647 (VCV001942647.6), dbSNP rs201041020, ClinGen allele CA297933416.

ClinVar aggregate classification (germline): Uncertain significance. Review status: criteria provided, multiple submitters, no conflicts (2 of 4 stars). 2 submissions from 2 submitters: Uncertain significance (2). Last evaluated 2025-03-23.

Conditions:
Inborn genetic diseases. Identifiers: MedGen C0950123, MeSH D030342.

Allele frequency attached by ClinVar (database versions not stated): TOPMed below 0.00001.

Submissions (2):

Ambry Genetics
Classification: Uncertain significance for Inborn genetic diseases. Last evaluated: 2025-03-23. Review status: criteria provided, single submitter. Criteria: Ambry Variant Classification Scheme 2023. Collection method: clinical testing. Allele origin: germline.
Comment: The p.V23A variant (also known as c.68T>C), located in coding exon 2 of the CDH2 gene, results from a T to C substitution at nucleotide position 68. The valine at codon 23 is replaced by alanine, an amino acid with similar properties. This amino acid position is conserved. In addition, this alteration is predicted to be tolerated by in silico analysis. Based on the available evidence, the clinical significance of this variant remains unclear.

Labcorp Genetics (formerly Invitae), Labcorp
Classification: Uncertain significance. Last evaluated: 2023-08-03. Review status: criteria provided, single submitter. Criteria: Invitae Variant Classification Sherloc (09022015). Collection method: clinical testing. Allele origin: germline.
Comment: This variant is not present in population databases (gnomAD no frequency). This variant has not been reported in the literature in individuals affected with CDH2-related conditions. ClinVar contains an entry for this variant (Variation ID: 1942647). Algorithms developed to predict the effect of missense changes on protein structure and function output the following: SIFT: "Not Available"; PolyPhen-2: "Benign"; Align-GVGD: "Not Available". The alanine amino acid residue is found in multiple mammalian species, which suggests that this missense change does not adversely affect protein function. In summary, the available evidence is currently insufficient to determine the role of this variant in disease. Therefore, it has been classified as a Variant of Uncertain Significance. This sequence change replaces valine, which is neutral and non-polar, with alanine, which is neutral and non-polar, at codon 23 of the CDH2 protein (p.Val23Ala).